The following is an entry in ClinVar:

ClinVar aggregate classification (germline): Uncertain significance. Review status: criteria provided, single submitter (1 of 4 stars). 2 submissions from 2 submitters: Uncertain significance (1). 1 of the submissions does not count toward it. Last evaluated 2022-08-16.

Conditions:
PIK3CA-related disorder. Also called: PIK3CA-related disorders; PIK3CA- related disease; PIK3CA-related condition.
Cowden syndrome (CS). Also called: Cowden's disease; Cowden's syndrome; Cowden disease. Identifiers: Orphanet 201, MedGen C0018553, MONDO:0016063. Disease mechanism: gain of function.

Allele frequency attached by ClinVar (database versions not stated): ESP Exome Variant Server 0.00008; ExAC 0.00002; TOPMed 0.00001.
gnomAD v4.1: 30 of 1,596,770 alleles (0.0019%); highest among the groups gnomAD compares: Admixed American, 0.0033%; no homozygotes.

Submissions (2):

Labcorp Genetics (formerly Invitae), Labcorp
Classification: Uncertain significance for Cowden syndrome. Last evaluated: 2022-08-16. Review status: criteria provided, single submitter. Criteria: Invitae Variant Classification Sherloc (09022015). Collection method: clinical testing. Allele origin: germline.
Comment: In summary, the available evidence is currently insufficient to determine the role of this variant in disease. Therefore, it has been classified as a Variant of Uncertain Significance. Algorithms developed to predict the effect of missense changes on protein structure and function are either unavailable or do not agree on the potential impact of this missense change (SIFT: "Deleterious"; PolyPhen-2: "Possibly Damaging"; Align-GVGD: "Class C0"). ClinVar contains an entry for this variant (Variation ID: 456540). This variant has not been reported in the literature in individuals affected with PIK3CA-related conditions. This variant is present in population databases (rs371049193, gnomAD 0.007%). This sequence change replaces arginine, which is basic and polar, with histidine, which is basic and polar, at codon 818 of the PIK3CA protein (p.Arg818His).

PreventionGenetics, part of Exact Sciences
Classification: Uncertain significance for PIK3CA-related condition. Last evaluated: 2024-03-22. Review status: no assertion criteria provided. Collection method: clinical testing. Allele origin: germline. Not counted in ClinVar's aggregate classification.
Comment: The PIK3CA c.2453G>A variant is predicted to result in the amino acid substitution p.Arg818His. To our knowledge, this variant has not been reported in the literature. This variant is reported in 0.0065% of alleles in individuals of African descent in gnomAD. At this time, the clinical significance of this variant is uncertain due to the absence of conclusive functional and genetic evidence.

NM_006218.4(PIK3CA):c.2453G>A (p.Arg818His)

Gene: PIK3CA (phosphatidylinositol-4,5-bisphosphate 3-kinase catalytic subunit alpha; plus strand). Cytogenetic location: 3q26.32.
Variant type: single nucleotide variant.
Coding change: c.2453G>A on transcript NM_006218.4 (MANE Select); coding-DNA position 2453, G replaced by A.
Protein change: p.Arg818His; replaces arginine 818 with histidine.
Molecular consequence: missense variant.
Genome position (GRCh38, 1-based): chr3:179,225,998, G>A. VCF-style: chr3-179225998-G-A. GRCh37 (hg19) VCF-style: chr3-178943786-G-A.
Other names: c.2453G>A (LRG_310t1, NM_006218.3); short protein forms R818H.
Identifiers: ClinVar variation 456540 (VCV000456540.10), dbSNP rs371049193, ClinGen allele CA2710959.